The following is an entry in ClinVar:

ClinVar aggregate classification (germline): Uncertain significance (1 of 4 stars; one submission).

Conditions:
Singleton-Merten syndrome 1 (SGMRT1). Also called: Widened medullary cavities of bone, aortic calcification, abnormal dentition, and muscular weakness; Syndrome of widened medullary cavities of the metacarpals and phalanges, aortic calcification and abnormal dentition. Identifiers: Orphanet 85191, MedGen C4225427, MONDO:0024535, OMIM 182250.
Aicardi-Goutieres syndrome 7 (AGS7). Identifiers: Orphanet 51, MedGen C3888244, MONDO:0014367, OMIM 615846.

gnomAD v4.1: 1 of 1,612,188 alleles (0.000062%); no homozygotes.

Submission:

Labcorp Genetics (formerly Invitae), Labcorp
Classification: Uncertain significance for Aicardi-Goutieres syndrome 7; Singleton-Merten syndrome 1. Last evaluated: 2024-11-21. Review status: criteria provided, single submitter. Criteria: Invitae Variant Classification Sherloc (09022015). Collection method: clinical testing. Allele origin: germline.
Comment: This sequence change replaces alanine, which is neutral and non-polar, with aspartic acid, which is acidic and polar, at codon 502 of the IFIH1 protein (p.Ala502Asp). This variant is not present in population databases (gnomAD no frequency). This variant has not been reported in the literature in individuals affected with IFIH1-related conditions. Invitae Evidence Modeling of protein sequence and biophysical properties (such as structural, functional, and spatial information, amino acid conservation, physicochemical variation, residue mobility, and thermodynamic stability) has been performed for this missense variant. However, the output from this modeling did not meet the statistical confidence thresholds required to predict the impact of this variant on IFIH1 protein function. In summary, the available evidence is currently insufficient to determine the role of this variant in disease. Therefore, it has been classified as a Variant of Uncertain Significance.

NM_022168.4(IFIH1):c.1505C>A (p.Ala502Asp)

Gene: IFIH1 (interferon induced with helicase C domain 1; minus strand). Cytogenetic location: 2q24.2.
Variant type: single nucleotide variant.
Coding change: c.1505C>A on transcript NM_022168.4 (MANE Select); coding-DNA position 1505, C replaced by A.
Protein change: p.Ala502Asp; replaces alanine 502 with aspartic acid.
Molecular consequence: missense variant.
Genome position (GRCh38, 1-based): chr2:162,281,347, G>T on the plus strand (C>A on the coding strand, the complement: IFIH1 is on the minus strand). VCF-style: chr2-162281347-G-T. GRCh37 (hg19) VCF-style: chr2-163137857-G-T.
Other names: short protein forms A502D.
Identifiers: ClinVar variation 3753630 (VCV003753630.2).